The following is an entry in ClinVar:

ClinVar aggregate classification (germline): Pathogenic (1 of 4 stars; one submission).

Conditions:
Diamond-Blackfan anemia. Also called: Blackfan Diamond syndrome; Aregenerative anemia chronic congenital; Red cell aplasia, pure hereditary; Congenital hypoplastic anemia; Aase syndrome. Identifiers: Orphanet 124, MedGen C1260899, MeSH D029503, MONDO:0015253, HP:0004810.

Submission:

Ambry Genetics
Classification: Pathogenic for Diamond-Blackfan anemia. Last evaluated: 2014-08-18. Review status: criteria provided, single submitter. Criteria: Ambry Variant Classification Scheme 2023. Collection method: clinical testing. Allele origin: germline.
Comment: The p.Y54* pathogenic mutation (also known as c.162C>G) located in coding exon 2 of the RPS19 gene, results from a C to G substitution at nucleotide position 162. This changes the amino acid from a tyrosine to a stop codon within coding exon 2. Since premature stop codons are typically deleterious in nature, this alteration is interpreted as a disease-causing mutation (ACMG Recommendations for Standards for Interpretation and Reporting of Sequence Variations. Revision 2007. Genet Med. 2008;10:294).

NM_001022.4(RPS19):c.162C>G (p.Tyr54Ter)

Genes: RPS19 (ribosomal protein S19; plus strand), RPS19-CD79A (RPS19-CD79A readthrough; plus strand). Cytogenetic location: 19q13.2.
Variant type: single nucleotide variant.
Coding change: c.162C>G on transcript NM_001022.4 (MANE Select); coding-DNA position 162, C replaced by G.
Protein change: p.Tyr54Ter; replaces tyrosine 54 with a stop codon.
Molecular consequence: nonsense.
Genome position (GRCh38, 1-based): chr19:41,861,202, C>G. VCF-style: chr19-41861202-C-G. GRCh37 (hg19) VCF-style: chr19-42365271-C-G.
Other names: c.162C>G, p.Tyr54Ter (NM_001321483.2, NM_001321484.2, NM_001321485.2); short protein forms Y54*.
Identifiers: ClinVar variation 1776783 (VCV001776783.2), dbSNP rs2513667411, ClinGen allele CA406047260.